The following is an entry in ClinVar:

ClinVar aggregate classification (germline): Pathogenic/Likely pathogenic. Review status: criteria provided, multiple submitters, no conflicts (2 of 4 stars). 2 submissions from 2 submitters: Pathogenic (1); Likely pathogenic (1). Last evaluated 2023-08-30.

Conditions:
TNF receptor-associated periodic fever syndrome (TRAPS) (FPF). Also called: Autosomal Dominant Familial Periodic Fever; TNF receptor 1-associated periodic fever syndrome; FAMILIAL HIBERNIAN FEVER; TNF RECEPTOR-ASSOCIATED PERIODIC SYNDROME; TUMOR NECROSIS FACTOR RECEPTOR-ASSOCIATED PERIODIC SYNDROME; TNF Receptor-Associated Periodic Fever Syndrome. Identifiers: Orphanet 32960, MedGen C1275126, MONDO:0007727, OMIM 142680.

Submissions (2):

Labcorp Genetics (formerly Invitae), Labcorp
Classification: Pathogenic for TNF receptor-associated periodic fever syndrome (TRAPS). Last evaluated: 2023-08-30. Review status: criteria provided, single submitter. Criteria: Invitae Variant Classification Sherloc (09022015). Collection method: clinical testing. Allele origin: germline.
Comment: This missense change has been observed in individual(s) with tumor necrosis factor receptor-associated periodic fever syndrome (TRAPS) (PMID: 22343913, 31562507; Invitae). It has also been observed to segregate with disease in related individuals. This variant is not present in population databases (gnomAD no frequency). This sequence change replaces cysteine, which is neutral and slightly polar, with tyrosine, which is neutral and polar, at codon 102 of the TNFRSF1A protein (p.Cys102Tyr). ClinVar contains an entry for this variant (Variation ID: 572070). For these reasons, this variant has been classified as Pathogenic. This variant disrupts the p.Cys102 amino acid residue in TNFRSF1A. Other variant(s) that disrupt this residue have been observed in individuals with TNFRSF1A-related conditions (PMID: 15228183, 16707534, 21420073, 22343913, 24251727; Invitae), which suggests that this may be a clinically significant amino acid residue. Advanced modeling of protein sequence and biophysical properties (such as structural, functional, and spatial information, amino acid conservation, physicochemical variation, residue mobility, and thermodynamic stability) performed at Invitae indicates that this missense variant is expected to disrupt TNFRSF1A protein function.

ARUP Laboratories, Molecular Genetics and Genomics, ARUP Laboratories
Classification: Likely pathogenic. Last evaluated: 2019-01-31. Review status: criteria provided, single submitter. Criteria: ARUP Molecular Germline Variant Investigation Process. Collection method: clinical testing. Allele origin: germline.
Comment: The TNFRSF1A c.305G>A; p.Cys102Tyr variant, also known as Cys73Tyr for traditional nomenclature, is reported to co-segregate with disease in three individuals with tumor necrosis factor receptor-associated periodic syndrome (TRAPS; Lee 2013). Other variants at this codon (Cys102Arg, Cys102Ser, Cys102Trp) have also been associated with TRAPS (Federici 2006, Nedjai 2011, Sediva 2014, Stjernberg-Salmela 2004). The p.Cys102Tyr variant is reported as likely pathogenic in ClinVar (Variation ID: 572070), and is absent from general population databases (Exome Variant Server, Genome Aggregation Database), indicating it is not a common polymorphism. The cysteine at codon 102 is highly conserved, and computational analyses (SIFT, PolyPhen-2) predict that this variant is deleterious. Based on available information, the p.Cys102Tyr variant is considered to be likely pathogenic. REFERENCES Federici L et al. A decision tree for genetic diagnosis of hereditary periodic fever in unselected patients. Ann Rheum Dis. 2006 Nov;65(11):1427-32. Lee RU et al. Tumor necrosis factor receptor-associated periodic syndrome as a cause of recurrent abdominal pain in identical twins and description of a novel mutation of the TNFRSF1A gene. J Pediatr Gastroenterol Nutr. 2013 Apr;56(4):e22-3. Nedjai B et al. Differential cytokine secretion results from p65 and c-Rel NF-?B subunit signaling in peripheral blood mononuclear cells of TNF receptor-associated periodic syndrome patients. Cell Immunol. 2011;268(2):55-9. Sediva A et al. Cluster of patients with Familial Mediterranean fever and heterozygous carriers of mutations in MEFV gene in the Czech Republic. Clin Genet. 2014 Dec;86(6):564-9. Stjernberg-Salmela S et al. A novel tumour necrosis factor receptor mutation in a Finnish family with periodic fever syndrome. Scand J Rheumatol. 2004;33(3):140-4.

Literature cited by the submitters: PubMed 22343913 (cited by Labcorp Genetics (formerly Invitae), Labcorp); PubMed 31562507 (cited by Labcorp Genetics (formerly Invitae), Labcorp); PubMed 15228183 (cited by Labcorp Genetics (formerly Invitae), Labcorp); PubMed 16707534 (cited by Labcorp Genetics (formerly Invitae), Labcorp); PubMed 21420073 (cited by Labcorp Genetics (formerly Invitae), Labcorp); PubMed 24251727 (cited by Labcorp Genetics (formerly Invitae), Labcorp).

NM_001065.4(TNFRSF1A):c.305G>A (p.Cys102Tyr)

Gene: TNFRSF1A (TNF receptor superfamily member 1A; minus strand). Cytogenetic location: 12p13.31.
Variant type: single nucleotide variant.
Coding change: c.305G>A on transcript NM_001065.4 (MANE Select); coding-DNA position 305, G replaced by A.
Protein change: p.Cys102Tyr; replaces cysteine 102 with tyrosine.
Molecular consequence: missense variant. On other transcripts: 5 prime UTR variant (2), non-coding transcript variant (1).
Genome position (GRCh38, 1-based): chr12:6,333,754, C>T on the plus strand (G>A on the coding strand, the complement: TNFRSF1A is on the minus strand). VCF-style: chr12-6333754-C-T. GRCh37 (hg19) VCF-style: chr12-6442920-C-T.
Other names: c.-20G>A (NM_001346091.2); c.-273G>A (NM_001346092.2); short protein forms C102Y.
Identifiers: ClinVar variation 572070 (VCV000572070.16), dbSNP rs1555108112, ClinGen allele CA383550416.